The following is an entry in ClinVar:

NM_001267550.2(TTN):c.39284C>A (p.Pro13095His)

Gene: TTN (titin; minus strand). Cytogenetic location: 2q31.2.
Variant type: single nucleotide variant.
Coding change: c.39284C>A on transcript NM_001267550.2 (MANE Select); coding-DNA position 39284, C replaced by A.
Protein change: p.Pro13095His; replaces proline 13095 with histidine.
Molecular consequence: missense variant. On other transcripts: intron variant (3).
Genome position (GRCh38, 1-based): chr2:178,652,107, G>T on the plus strand (C>A on the coding strand, the complement: TTN is on the minus strand). VCF-style: chr2-178652107-G-T. GRCh37 (hg19) VCF-style: chr2-179516834-G-T.
Other names: c.34763C>A, p.Pro11588His (NM_001256850.1); c.31982C>A, p.Pro10661His (NM_133378.4); c.13283-9790C>A (NM_003319.4); c.13859-9790C>A (NM_133437.4); c.13658-9790C>A (NM_133432.3); short protein forms P10661H, P13095H, P11588H.
Identifiers: ClinVar variation 437108 (VCV000437108.10), dbSNP rs770419196, ClinGen allele CA1996794.
Genomic context (GRCh38, chr2:178,652,107, plus strand): 5'-AAGGAAAGATTTTTTTAAAAAACACTAATTTGAATAGTTTCATTATTACCTTCAGGGGGA[G>T]GACTTTCCGGTTTGGGAGGAATAGCTTCAGGCACCTTCTTTTCTGGGACAGCTACCTTTG-3'
Protein context (NP_001254479.2, residues 13085-13105): PEAIPPKPES[Pro13095His]PPEVFEEPEE

ClinVar aggregate classification (germline): Conflicting classifications of pathogenicity. Review status: criteria provided, conflicting classifications (1 of 4 stars). 5 submissions from 5 submitters: Uncertain significance (3); Likely benign (2). Last evaluated 2025-07-24.

Conditions:
Dilated cardiomyopathy 1G (CMD1G). Identifiers: Orphanet 154, MedGen C1858763, MONDO:0011400, OMIM 604145.
Hypertrophic cardiomyopathy 9. Also called: Familial hypertrophic cardiomyopathy 9. Identifiers: MedGen C1861065, MONDO:0013412, OMIM 613765.
Tibial muscular dystrophy (TMD). Also called: UDD MYOPATHY; Udd Distal Myopathy – Tibial Muscular Dystrophy; Tibial muscular dystrophy, tardive. Identifiers: Orphanet 609, MedGen C1838244, MONDO:0010870, OMIM 600334.
Early-onset myopathy with fatal cardiomyopathy (CMYO5). Also called: CONGENITAL MYOPATHY 5 WITH CARDIOMYOPATHY; Salih Myopathy. Identifiers: Orphanet 289377, MedGen C2673677, MONDO:0012714, OMIM 611705. Disease mechanism: loss of function.
Autosomal recessive limb-girdle muscular dystrophy type 2J (LGMDR10). Also called: MUSCULAR DYSTROPHY, LIMB-GIRDLE, AUTOSOMAL RECESSIVE 10; Limb-girdle muscular dystrophy, type 2J. Identifiers: Orphanet 140922, MedGen C1837342, MONDO:0012127, OMIM 608807.
Myopathy, myofibrillar, 9, with early respiratory failure (MFM9). Also called: Myopathy, distal, with early respiratory failure, autosomal dominant; Hereditary myopathy with early respiratory failure; EDSTROM MYOPATHY; MYOPATHY, PROXIMAL, WITH EARLY RESPIRATORY MUSCLE INVOLVEMENT. Identifiers: Orphanet 178464, Orphanet 34521, MedGen C1863599, MONDO:0011362, OMIM 603689.

Allele frequency attached by ClinVar (database versions not stated): gnomAD 0.00001; ExAC 0.00002.
gnomAD v4.1: 19 of 1,612,934 alleles (0.0012%); highest among the groups gnomAD compares: Non-Finnish European, 0.0016%; no homozygotes.

Submissions (5):

Molecular Diagnostic Laboratory for Inherited Cardiovascular Disease, Montreal Heart Institute
Classification: Likely benign. Last evaluated: 2025-07-24. Review status: criteria provided, single submitter. Criteria: ACMG Guidelines, 2015. Collection method: clinical testing. Allele origin: germline. Affected: no.
Comment: BP1

Blueprint Genetics
Classification: Likely benign. Last evaluated: 2024-11-05. Review status: criteria provided, single submitter. Criteria: ACMG Guidelines, 2015. Collection method: clinical testing. Allele origin: germline.

Women's Health and Genetics/Laboratory Corporation of America, LabCorp
Classification: Uncertain significance. Last evaluated: 2023-06-26. Review status: criteria provided, single submitter. Criteria: LabCorp Variant Classification Summary - May 2015. Collection method: clinical testing. Allele origin: germline.
Comment: Variant summary: TTN c.31982C>A (p.Pro10661His) results in a non-conservative amino acid change located in the I-band region of the encoded protein sequence. Three of five in-silico tools predict a damaging effect of the variant on protein function. The variant allele was found at a frequency of 2e-05 in 248952 control chromosomes (gnomAD). The available data on variant occurrences in the general population are insufficient to allow any conclusion about variant significance. To our knowledge, no occurrence of c.31982C>A in individuals affected with Limb-Girdle Muscular Dystrophy, Type 2J and no experimental evidence demonstrating its impact on protein function have been reported. Two ClinVar submitters have assessed the variant since 2014: both classified the variant as uncertain significance. Based on the evidence outlined above, the variant was classified as uncertain significance.

Fulgent Genetics
Classification: Uncertain significance for Tibial muscular dystrophy; Myopathy, myofibrillar, 9, with early respiratory failure; Dilated cardiomyopathy 1G; Autosomal recessive limb-girdle muscular dystrophy type 2J; Early-onset myopathy with fatal cardiomyopathy; Hypertrophic cardiomyopathy 9. Last evaluated: 2018-10-31. Review status: criteria provided, single submitter. Criteria: ACMG Guidelines, 2015. Collection method: clinical testing. Allele origin: unknown.

Genetic Services Laboratory, University of Chicago
Classification: Uncertain significance. Last evaluated: 2016-03-04. Review status: criteria provided, single submitter. Criteria: ACMG Guidelines, 2015. Collection method: clinical testing. Allele origin: germline. Affected: no.